The following is an entry in ClinVar:

ClinVar aggregate classification (germline): Uncertain significance (1 of 4 stars; one submission).

Conditions:
Hereditary cancer-predisposing syndrome. Also called: Neoplastic Syndromes, Hereditary; Tumor predisposition; Hereditary Cancer Syndrome; Hereditary neoplastic syndrome. Identifiers: Orphanet 140162, MedGen C0027672, MeSH D009386, MONDO:0015356.
Cardiovascular phenotype. Identifiers: MedGen CN230736.

Submission:

Ambry Genetics
Classification: Uncertain significance for Cardiovascular phenotype; Hereditary cancer-predisposing syndrome. Last evaluated: 2022-10-02. Review status: criteria provided, single submitter. Criteria: Ambry Variant Classification Scheme 2023. Collection method: clinical testing. Allele origin: germline.
Comment: The p.M655L variant (also known as c.1963A>C), located in coding exon 17 of the LZTR1 gene, results from an A to C substitution at nucleotide position 1963. The methionine at codon 655 is replaced by leucine, an amino acid with highly similar properties. This amino acid position is conserved. In addition, this alteration is predicted to be tolerated by in silico analysis. Since supporting evidence is limited at this time, the clinical significance of this alteration remains unclear.

NM_006767.4(LZTR1):c.1963A>C (p.Met655Leu)

Gene: LZTR1 (leucine zipper like post translational regulator 1; plus strand). Cytogenetic location: 22q11.21.
Variant type: single nucleotide variant.
Coding change: c.1963A>C on transcript NM_006767.4 (MANE Select); coding-DNA position 1963, A replaced by C.
Protein change: p.Met655Leu; replaces methionine 655 with leucine.
Molecular consequence: missense variant.
Genome position (GRCh38, 1-based): chr22:20,995,766, A>C. VCF-style: chr22-20995766-A-C. GRCh37 (hg19) VCF-style: chr22-21350055-A-C.
Other names: short protein forms M655L.
Identifiers: ClinVar variation 1783477 (VCV001783477.2), dbSNP rs1356385580, ClinGen allele CA410778964.